The following is an entry in ClinVar:

NM_015627.3(LDLRAP1):c.178C>T (p.Gln60Ter)

Gene: LDLRAP1 (low density lipoprotein receptor adaptor protein 1; plus strand). Cytogenetic location: 1p36.11.
Variant type: single nucleotide variant.
Coding change: c.178C>T on transcript NM_015627.3 (MANE Select); coding-DNA position 178, C replaced by T.
Protein change: p.Gln60Ter; replaces glutamine 60 with a stop codon.
Molecular consequence: nonsense.
Genome position (GRCh38, 1-based): chr1:25,554,011, C>T. VCF-style: chr1-25554011-C-T. GRCh37 (hg19) VCF-style: chr1-25880502-C-T.
Other names: short protein forms Q60*.
Identifiers: ClinVar variation 2804597 (VCV002804597.3), dbSNP rs2523990411, ClinGen allele CA339077773.

ClinVar aggregate classification (germline): Pathogenic (1 of 4 stars; one submission).

Conditions:
Hypercholesterolemia, familial, 4 (FHCL4). Also called: HYPERCHOLESTEROLEMIA, AUTOSOMAL RECESSIVE, 1; HYPERCHOLESTEROLEMIA, AUTOSOMAL RECESSIVE, 2. Identifiers: Orphanet 391665, MedGen C1863512, MONDO:0011374, OMIM 603813.

Submission:

Labcorp Genetics (formerly Invitae), Labcorp
Classification: Pathogenic for Hypercholesterolemia, familial, 4. Last evaluated: 2023-01-14. Review status: criteria provided, single submitter. Criteria: Invitae Variant Classification Sherloc (09022015). Collection method: clinical testing. Allele origin: germline.
Comment: This sequence change creates a premature translational stop signal (p.Gln60*) in the LDLRAP1 gene. It is expected to result in an absent or disrupted protein product. Loss-of-function variants in LDLRAP1 are known to be pathogenic (PMID: 11326085, 12464675). For these reasons, this variant has been classified as Pathogenic. This variant has not been reported in the literature in individuals affected with LDLRAP1-related conditions. This variant is not present in population databases (gnomAD no frequency).

Literature cited by the submitters: PubMed 11326085; PubMed 12464675.